The following is an entry in ClinVar:

NM_000173.7(GP1BA):c.7CTC[2] (p.Leu10del)

Gene: GP1BA (glycoprotein Ib platelet subunit alpha; plus strand). Cytogenetic location: 17p13.2.
Variant type: Microsatellite.
Coding change: c.7CTC[2] on transcript NM_000173.7 (MANE Select); two copies in a row of the 3-base unit CTC starting at c.7; the reference has three copies in a row; one copy, 3 bases deleted; also written c.13_15del.
Protein change: p.Leu10del; deletes leucine 10.
Genome position (GRCh38, 1-based): chr17:4,932,617-4,932,619, CTC deleted; deleting any 3 consecutive bases within chr17:4,932,611-4,932,619 gives the same sequence; the position shown is the placement nearest the transcript's 3' end. VCF-style (leftmost placement, unchanged base first): chr17-4932610-TCTC-T. GRCh37 (hg19) VCF-style: chr17-4835905-TCTC-T.
Other names: p.Leu10del; c.13_15del (NM_000173.7); short protein forms L10del.
Identifiers: ClinVar variation 3380456 (VCV003380456.2).

ClinVar aggregate classification (germline): Uncertain significance (1 of 4 stars; one submission).

Submission:

Mayo Clinic Laboratories, Mayo Clinic
Classification: Uncertain significance. Last evaluated: 2025-04-04. Review status: criteria provided, single submitter. Criteria: ACMG Guidelines, 2015. Collection method: clinical testing. Allele origin: germline. Observed: 2 variant alleles.
Comment: BS1

Literature cited by the submitters: PubMed 36519321.